The following is an entry in ClinVar:

ClinVar aggregate classification (germline): Uncertain significance (1 of 4 stars; one submission).

Submission:

Labcorp Genetics (formerly Invitae), Labcorp
Classification: Uncertain significance. Last evaluated: 2025-12-09. Review status: criteria provided, single submitter. Criteria: Invitae Variant Classification Sherloc (09022015). Collection method: clinical testing. Allele origin: germline.
Comment: This variant, c.563_571dup, results in the insertion of 3 amino acid(s) of the ZNF341 protein (p.Leu188_Pro190dup), but otherwise preserves the integrity of the reading frame. This variant is not present in population databases (gnomAD no frequency). This variant has not been reported in the literature in individuals affected with ZNF341-related conditions. In summary, the available evidence is currently insufficient to determine the role of this variant in disease. Therefore, it has been classified as a Variant of Uncertain Significance.

NM_001282933.2(ZNF341):c.563_571dup (p.Pro190_Pro191insLeuProPro)

Gene: ZNF341 (zinc finger protein 341; plus strand). Cytogenetic location: 20q11.22.
Variant type: Duplication.
Coding change: c.563_571dup on transcript NM_001282933.2 (MANE Select); coding-DNA positions 563 to 571, 9 bases duplicated (TGCCCCCAC; older notation c.563_571dupTGCCCCCAC).
Protein change: p.Pro190_Pro191insLeuProPro.
Molecular consequence: inframe insertion. On other transcripts: non-coding transcript variant (1).
Genome position (GRCh38, 1-based): chr20:33,753,245-33,753,253, TGCCCCCAC duplicated; duplicating any 9 consecutive bases within chr20:33,753,241-33,753,253 gives the same sequence; the c. name uses the placement nearest the transcript's 3' end. VCF-style (leftmost placement, unchanged base first): chr20-33753240-A-ACCACTGCCC. GRCh37 (hg19) VCF-style: chr20-32341046-A-ACCACTGCCC.
Other names: c.293_301dup, p.Pro100_Pro101insLeuProPro (NM_001282935.2); c.563_571dup, p.Pro190_Pro191insLeuProPro (NM_032819.5).
Identifiers: ClinVar variation 4732347 (VCV004732347.1).